The following is an entry in ClinVar:

ClinVar aggregate classification (germline): Uncertain significance (1 of 4 stars; one submission).

Submission:

Labcorp Genetics (formerly Invitae), Labcorp
Classification: Uncertain significance. Last evaluated: 2025-10-08. Review status: criteria provided, single submitter. Criteria: Invitae Variant Classification Sherloc (09022015). Collection method: clinical testing. Allele origin: germline.
Comment: This sequence change replaces tyrosine, which is neutral and polar, with histidine, which is basic and polar, at codon 374 of the LOX protein (p.Tyr374His). This variant is not present in population databases (gnomAD no frequency). This variant has not been reported in the literature in individuals affected with LOX-related conditions. Invitae Evidence Modeling of protein sequence and biophysical properties (such as structural, functional, and spatial information, amino acid conservation, physicochemical variation, residue mobility, and thermodynamic stability) indicates that this missense variant is expected to disrupt LOX protein function with a positive predictive value of 95%. In summary, the available evidence is currently insufficient to determine the role of this variant in disease. Therefore, it has been classified as a Variant of Uncertain Significance.

NM_002317.7(LOX):c.1120T>C (p.Tyr374His)

Genes: LOX (lysyl oxidase; minus strand), SRFBP1 (serum response factor binding protein 1; plus strand). Cytogenetic location: 5q23.1.
Variant type: single nucleotide variant.
Coding change: c.1120T>C on transcript NM_002317.7 (MANE Select); coding-DNA position 1120, T replaced by C.
Protein change: p.Tyr374His; replaces tyrosine 374 with histidine.
Molecular consequence: missense variant.
Genome position (GRCh38, 1-based): chr5:122,070,505, A>G on the plus strand (T>C on the coding strand, the complement: LOX is on the minus strand). VCF-style: chr5-122070505-A-G. GRCh37 (hg19) VCF-style: chr5-121406200-A-G.
Other names: c.430T>C, p.Tyr144His (NM_001178102.2); c.229T>C, p.Tyr77His (NM_001317073.1); short protein forms Y144H, Y374H, Y77H.
Identifiers: ClinVar variation 4798448 (VCV004798448.1).
Genomic context (GRCh38, chr5:122,070,505, plus strand): 5'-CCTATTGATCTGCAATATCAATATATGATATATTTTCAAAGGTCTTTACCTTTAGGATAT[A>G]GTTTCCAGGTTTTACATCTGTAATATCAATCCACTGGCAGTCTATGTCTGCACCATAGGT-3'
Protein context (NP_002308.2, residues 364-384): IDITDVKPGN[Tyr374His]ILKVSVNPSY